The following is an entry in ClinVar:

NM_153816.6(SNX14):c.968C>A (p.Ala323Glu)

Gene: SNX14 (sorting nexin 14; minus strand). Cytogenetic location: 6q14.3.
Variant type: single nucleotide variant.
Coding change: c.968C>A on transcript NM_153816.6 (MANE Select); coding-DNA position 968, C replaced by A.
Protein change: p.Ala323Glu; replaces alanine 323 with glutamic acid.
Molecular consequence: missense variant. On other transcripts: 5 prime UTR variant (7), non-coding transcript variant (6).
Genome position (GRCh38, 1-based): chr6:85,547,342, G>T on the plus strand (C>A on the coding strand, the complement: SNX14 is on the minus strand). VCF-style: chr6-85547342-G-T. GRCh37 (hg19) VCF-style: chr6-86257060-G-T.
Other names: c.968C>A, p.Ala323Glu (NM_001297614.3, NM_001350540.2, NM_001350541.2); c.812C>A, p.Ala271Glu (NM_001304479.2); c.1031C>A, p.Ala344Glu (NM_001350532.2); c.965C>A, p.Ala322Glu (NM_001350533.2, NM_001350534.2, NM_001350535.2); c.836C>A, p.Ala279Glu (NM_001350536.2, NM_020468.6); c.833C>A, p.Ala278Glu (NM_001350537.2); c.824C>A, p.Ala275Glu (NM_001350538.2); c.809C>A, p.Ala270Glu (NM_001350539.2); and 7 more; short protein forms A223E, A344E, A275E, A278E, A323E, A175E, A226E, A227E.
Identifiers: ClinVar variation 4631823 (VCV004631823.1).

ClinVar aggregate classification (germline): Uncertain significance (1 of 4 stars; one submission).

Conditions:
Inborn genetic diseases. Identifiers: MedGen C0950123, MeSH D030342.

Submission:

Ambry Genetics
Classification: Uncertain significance for Inborn genetic diseases. Last evaluated: 2025-09-28. Review status: criteria provided, single submitter. Criteria: Ambry Variant Classification Scheme 2023. Collection method: clinical testing. Allele origin: germline.
Comment: The c.968C>A (p.A323E) alteration is located in exon 11 (coding exon 11) of the SNX14 gene. This alteration results from a C to A substitution at nucleotide position 968, causing the alanine (A) at amino acid position 323 to be replaced by a glutamic acid (E). Based on data from gnomAD, the A allele has an overall frequency of <0.001% (0/249604) total alleles studied. The highest observed frequency was <0.001% (/) of alleles. Based on insufficient or conflicting evidence, the clinical significance of this alteration remains unclear.